The following is an entry in ClinVar:

NM_000553.6(WRN):c.787G>C (p.Asp263His)

Gene: WRN (WRN RecQ like helicase; plus strand). Cytogenetic location: 8p12.
Variant type: single nucleotide variant.
Coding change: c.787G>C on transcript NM_000553.6 (MANE Select); coding-DNA position 787, G replaced by C.
Protein change: p.Asp263His; replaces aspartic acid 263 with histidine.
Molecular consequence: missense variant.
Genome position (GRCh38, 1-based): chr8:31,076,235, G>C. VCF-style: chr8-31076235-G-C. GRCh37 (hg19) VCF-style: chr8-30933751-G-C.
Other names: short protein forms D263H.
Identifiers: ClinVar variation 2070444 (VCV002070444.4), dbSNP rs1813088802, ClinGen allele CA370918539.

ClinVar aggregate classification (germline): Uncertain significance (1 of 4 stars; one submission).

Conditions:
Werner syndrome (WRN). Identifiers: Orphanet 902, MedGen C0043119, MONDO:0010196, OMIM 277700.

Submission:

Labcorp Genetics (formerly Invitae), Labcorp
Classification: Uncertain significance for Werner syndrome. Last evaluated: 2022-01-02. Review status: criteria provided, single submitter. Criteria: Invitae Variant Classification Sherloc (09022015). Collection method: clinical testing. Allele origin: germline.
Comment: This variant has not been reported in the literature in individuals affected with WRN-related conditions. This variant is not present in population databases (gnomAD no frequency). Algorithms developed to predict the effect of missense changes on protein structure and function are either unavailable or do not agree on the potential impact of this missense change (SIFT: "Not Available"; PolyPhen-2: "Benign"; Align-GVGD: "Not Available"). This sequence change replaces aspartic acid, which is acidic and polar, with histidine, which is basic and polar, at codon 263 of the WRN protein (p.Asp263His). In summary, the available evidence is currently insufficient to determine the role of this variant in disease. Therefore, it has been classified as a Variant of Uncertain Significance.